The following is an entry in ClinVar:

ClinVar aggregate classification (germline): Benign/Likely benign. Review status: criteria provided, multiple submitters, no conflicts (2 of 4 stars). 3 submissions from 3 submitters: Benign (1); Likely benign (2). Last evaluated 2026-04-15.

Conditions:
Hereditary cancer-predisposing syndrome. Also called: Hereditary neoplastic syndrome; Neoplastic Syndromes, Hereditary; Hereditary Cancer Syndrome; Tumor predisposition. Identifiers: Orphanet 140162, MedGen C0027672, MeSH D009386, MONDO:0015356.
DICER1-related tumor predisposition. Also called: DICER1-related pleuropulmonary blastoma cancer predisposition syndrome; DICER1 syndrome. Identifiers: Orphanet 284343, MedGen C3839822, MONDO:0100216.

Allele frequency attached by ClinVar (database versions not stated): gnomAD exomes below 0.00001.
gnomAD v4.1: 2 of 1,613,832 alleles (0.00012%); no homozygotes.

Submissions (3):

Myriad Genetics, Inc.
Classification: Benign for DICER1-related tumor predisposition. Last evaluated: 2026-04-15. Review status: criteria provided, single submitter. Criteria: Myriad Autosomal Dominant, Autosomal Recessive and X-Linked Classification Criteria (2023). Collection method: clinical testing. Allele origin: unknown.
Comment: This variant is considered benign. This variant is a silent/synonymous amino acid change and it is not expected to impact splicing.

Labcorp Genetics (formerly Invitae), Labcorp
Classification: Likely benign for DICER1-related tumor predisposition. Last evaluated: 2025-06-25. Review status: criteria provided, single submitter. Criteria: Invitae Variant Classification Sherloc (09022015). Collection method: clinical testing. Allele origin: germline.

Ambry Genetics
Classification: Likely benign for Hereditary cancer-predisposing syndrome. Last evaluated: 2020-01-21. Review status: criteria provided, single submitter. Criteria: Ambry Variant Classification Scheme 2023. Collection method: clinical testing. Allele origin: germline.

NM_177438.3(DICER1):c.333A>G (p.Ser111=)

Gene: DICER1 (dicer 1, ribonuclease III; minus strand). Cytogenetic location: 14q32.13.
Variant type: single nucleotide variant.
Coding change: c.333A>G on transcript NM_177438.3 (MANE Select); coding-DNA position 333, A replaced by G.
Protein change: p.Ser111=; no amino-acid change (serine 111 retained).
Molecular consequence: synonymous variant.
Genome position (GRCh38, 1-based): chr14:95,131,614, T>C on the plus strand (A>G on the coding strand, the complement: DICER1 is on the minus strand). VCF-style: chr14-95131614-T-C. GRCh37 (hg19) VCF-style: chr14-95597951-T-C.
Other names: c.333A>G, p.Ser111= (NM_001195573.1, NM_001271282.3, NM_001291628.2 and 1 more transcripts).
Identifiers: ClinVar variation 242083 (VCV000242083.16), dbSNP rs878855257, ClinGen allele CA10583228.